The following is an entry in ClinVar:

NM_003743.5(NCOA1):c.899dup (p.Gln301fs)

Gene: NCOA1 (nuclear receptor coactivator 1; plus strand). Cytogenetic location: 2p23.3.
Variant type: Duplication.
Coding change: c.899dup on transcript NM_003743.5 (MANE Select); coding-DNA position 899, one base duplicated (T; older notation c.899dupT).
Protein change: p.Gln301fs; shifts the reading frame from glutamine 301.
Molecular consequence: frameshift variant.
Genome position (GRCh38, 1-based): chr2:24,697,748, T duplicated; the last of 6 consecutive T bases (chr2:24,697,743-24,697,748); duplicating any one gives the same sequence. VCF-style (leftmost placement, unchanged base first): chr2-24697742-C-CT. GRCh37 (hg19) VCF-style: chr2-24920611-C-CT.
Other names: c.899dup, p.Gln301fs (NM_001362950.1, NM_001362952.1, NM_001362954.1 and 3 more transcripts); short protein forms Q301fs.
Identifiers: ClinVar variation 4995312 (VCV004995312.1).

ClinVar aggregate classification (germline): Uncertain significance (1 of 4 stars; one submission).

Conditions:
NCOA1-related disorder. Also called: NCOA1-related condition.

Submission:

PreventionGenetics, part of Exact Sciences
Classification: Uncertain significance for NCOA1-related condition. Last evaluated: 2026-01-28. Review status: criteria provided, single submitter. Criteria: ACMG Guidelines, 2015. Collection method: clinical testing. Allele origin: germline.
Comment: The NCOA1 c.899dupT variant is predicted to result in a frameshift and premature protein termination (p.Gln301Profs*29). To our knowledge, this variant has not been reported in the literature or in a large population database (gnomAD), indicating this variant is rare. Loss of function has not been conclusively established as a mechanism for NCOA1-related disorders. At this time, the clinical significance of this variant is uncertain due to the absence of conclusive functional and genetic evidence.